The following is an entry in ClinVar:

NM_007294.4(BRCA1):c.5153-23T>C

Gene: BRCA1 (BRCA1 DNA repair associated; minus strand). Cytogenetic location: 17q21.31.
Variant type: single nucleotide variant.
Coding change: c.5153-23T>C on transcript NM_007294.4 (MANE Select); 23 bases into the intron before coding-DNA position 5153, T replaced by C.
Molecular consequence: intron variant.
Genome position (GRCh38, 1-based): chr17:43,063,396, A>G on the plus strand (T>C on the coding strand, the complement: BRCA1 is on the minus strand). VCF-style: chr17-43063396-A-G. GRCh37 (hg19) VCF-style: chr17-41215413-A-G.
Other names: c.1700-23T>C (NM_001408458.1, NM_001408461.1, NM_001408464.1 and 7 more transcripts); c.4262-23T>C (NM_001407967.1); c.4772-23T>C (NM_001407959.1); c.4886-23T>C (NM_001407931.1, NM_001407932.1, NM_001407928.1 and 4 more transcripts); c.5009-23T>C (NM_001407747.1, NM_001407745.1, NM_001407737.1 and 21 more transcripts); c.4769-23T>C (NM_001407962.1, NM_001407960.1); c.1340-23T>C (NM_001408512.1); c.1463-23T>C (NM_001408510.1); and 72 more.
Identifiers: ClinVar variation 868736 (VCV000868736.3), dbSNP rs2051877902, ClinGen allele CA916080097.

Conditions:
Breast-ovarian cancer, familial, susceptibility to, 1 (BROVCA1). Also called: BRCA1 Hereditary Breast and Ovarian Cancer; OVARIAN CANCER, SUSCEPTIBILITY TO. Identifiers: Orphanet 145, MedGen C2676676, MONDO:0011450, OMIM 604370. Disease mechanism: loss of function.

Submission:

Brotman Baty Institute, University of Washington
No classification provided (evidence only). Condition: Breast-ovarian cancer, familial 1. Review status: no classification provided. Collection method: in vitro. Allele origin: not applicable. Functional consequence: functionally_normal.
ClinVar note: "not provided" was previously submitted as the classification for the variant. However, the classification appeared to be based only on an observation of functional data so it was converted to no classification on 2025-07-30.